The following is an entry in ClinVar:

ClinVar aggregate classification (germline): Uncertain significance (1 of 4 stars; one submission).

Conditions:
Polycystic kidney disease 4 (PKD4). Also called: POLYCYSTIC KIDNEY DISEASE 4 WITH OR WITHOUT POLYCYSTIC LIVER DISEASE; POLYCYSTIC KIDNEY AND HEPATIC DISEASE 1; POLYCYSTIC KIDNEY DISEASE, INFANTILE, TYPE I; PKD3; Autosomal Recessive Polycystic Kidney Disease – PKHD1. Identifiers: MedGen C4540575, MONDO:0033004, OMIM 263200.

Submission:

Center for Human Genetics and Genomic Medicine, Uniklinik Rwth Aachen
Classification: Uncertain significance for Polycystic kidney disease 4. Last evaluated: 2021-07-08. Review status: criteria provided, single submitter. Criteria: ACMG Guidelines, 2015. Collection method: clinical testing. Allele origin: unknown. Inheritance: Autosomal recessive inheritance. Affected: yes. Observed: 1 variant allele, 1 heterozygote.
Comment: The detected change has not yet been reported in the relevant databases (dbSNP151, gnomAD, ClinVar) or in the literature. In bioinformatics, the change is classified as "probably disease-causing". It has been detected together with a large deletion (exon 39-41) of the PKHD1 gene, but without segregation analysis for compound status. The variant is currently to be regarded as a "variant of uncertain significance" (ACMG criteria).

NM_138694.4(PKHD1):c.10640T>C (p.Leu3547Pro)

Gene: PKHD1 (PKHD1 ciliary IPT domain containing fibrocystin/polyductin; minus strand). Cytogenetic location: 6p12.3.
Variant type: single nucleotide variant.
Coding change: c.10640T>C on transcript NM_138694.4 (MANE Select); coding-DNA position 10640, T replaced by C.
Protein change: p.Leu3547Pro; replaces leucine 3547 with proline.
Molecular consequence: missense variant.
Genome position (GRCh38, 1-based): chr6:51,659,486, A>G on the plus strand (T>C on the coding strand, the complement: PKHD1 is on the minus strand). VCF-style: chr6-51659486-A-G. GRCh37 (hg19) VCF-style: chr6-51524284-A-G.
Other names: short protein forms L3547P.
Identifiers: ClinVar variation 1177383 (VCV001177383.3), dbSNP rs2150414704, ClinGen allele CA364433366.